The following is an entry in ClinVar:

ClinVar aggregate classification (germline): Likely benign (1 of 4 stars; one submission).

gnomAD v4.1: 83 of 716,908 alleles (0.012%); highest among the groups gnomAD compares: South Asian, 0.12%; 1 homozygote.

Submission:

CeGaT Center for Human Genetics Tuebingen
Classification: Likely benign. Last evaluated: 2026-09-01. Review status: criteria provided, single submitter. Criteria: CeGaT Center For Human Genetics Tuebingen Variant Classification Criteria Version 2. Collection method: clinical testing. Allele origin: germline. Affected: yes. Observed: 1 variant allele.
Comment: PPT1: BP4, BP7

NM_000310.4(PPT1):c.125-1477T>C

Gene: PPT1 (palmitoyl-protein thioesterase 1; minus strand). Cytogenetic location: 1p34.2.
Variant type: single nucleotide variant.
Coding change: c.125-1477T>C on transcript NM_000310.4 (MANE Select); 1477 bases into the intron before coding-DNA position 125, T replaced by C.
Molecular consequence: intron variant.
Genome position (GRCh38, 1-based): chr1:40,093,984, A>G on the plus strand (T>C on the coding strand, the complement: PPT1 is on the minus strand). VCF-style: chr1-40093984-A-G. GRCh37 (hg19) VCF-style: chr1-40559656-A-G.
Other names: c.124+3131T>C (NM_001142604.2); c.125-1477T>C (NM_001363695.2).
Identifiers: ClinVar variation 5040816 (VCV005040816.1).